The following is an entry in ClinVar:

NM_001009944.3(PKD1):c.7590C>G (p.Gly2530=)

Gene: PKD1 (polycystin 1, transient receptor potential channel interacting; minus strand). Cytogenetic location: 16p13.3.
Variant type: single nucleotide variant.
Coding change: c.7590C>G on transcript NM_001009944.3 (MANE Select); coding-DNA position 7590, C replaced by G.
Protein change: p.Gly2530=; no amino-acid change (glycine 2530 retained).
Molecular consequence: synonymous variant.
Genome position (GRCh38, 1-based): chr16:2,106,204, G>C on the plus strand (C>G on the coding strand, the complement: PKD1 is on the minus strand). VCF-style: chr16-2106204-G-C. GRCh37 (hg19) VCF-style: chr16-2156205-G-C.
Other names: c.7590C>G, p.Gly2530= (NM_000296.4).
Identifiers: ClinVar variation 3358223 (VCV003358223.1).
Genomic context (GRCh38, chr16:2,106,204, plus strand): 5'-GCCCACCTCGAAGTGTGGCCTGAAACCCGGGGGCAGCACGGCTCCGTAGCTGGAGAGGCT[G>C]CCCTTGTAGACACAGAACTCCTCGCAGTGGCCCTGGCGACAGCGCCGCAGCAGCAGGGCG-3'
Protein context (NP_001009944.3, residues 2520-2540): GHCEEFCVYK[Gly2530=]SLSSYGAVLP

ClinVar aggregate classification (germline): Likely benign (0 of 4 stars; one submission).

Conditions:
PKD1-related disorder. Also called: PKD1-related condition.

gnomAD v4.1: 9 of 1,610,142 alleles (0.00056%); highest among the groups gnomAD compares: East Asian, 0.0022%; no homozygotes.

Submission:

PreventionGenetics, part of Exact Sciences
Classification: Likely benign for PKD1-related condition. Last evaluated: 2024-03-20. Review status: no assertion criteria provided. Collection method: clinical testing. Allele origin: germline.
Comment: This variant is classified as likely benign based on ACMG/AMP sequence variant interpretation guidelines (Richards et al. 2015 PMID: 25741868, with internal and published modifications).